The following is an entry in ClinVar:

NM_000179.3(MSH6):c.3711G>C (p.Glu1237Asp)

Gene: MSH6 (mutS homolog 6; plus strand). Cytogenetic location: 2p16.3.
Variant type: single nucleotide variant.
Coding change: c.3711G>C on transcript NM_000179.3 (MANE Select); coding-DNA position 3711, G replaced by C.
Protein change: p.Glu1237Asp; replaces glutamic acid 1237 with aspartic acid.
Molecular consequence: missense variant.
Genome position (GRCh38, 1-based): chr2:47,806,268, G>C. VCF-style: chr2-47806268-G-C. GRCh37 (hg19) VCF-style: chr2-48033407-G-C.
Other names: c.3321G>C, p.Glu1107Asp (NM_001281492.2); c.2805G>C, p.Glu935Asp (NM_001281493.2, NM_001281494.2); short protein forms E1237D, E1107D, E935D.
Identifiers: ClinVar variation 188261 (VCV000188261.16), dbSNP rs754289472, ClinGen allele CA013945.

ClinVar aggregate classification (germline): Conflicting classifications of pathogenicity. Review status: criteria provided, conflicting classifications (1 of 4 stars). 3 submissions from 3 submitters: Uncertain significance (2); Likely benign (1). Last evaluated 2024-11-28.

Conditions:
Hereditary nonpolyposis colorectal neoplasms. Identifiers: MedGen C0009405, MeSH D003123.
Hereditary cancer-predisposing syndrome. Also called: Neoplastic Syndromes, Hereditary; Tumor predisposition; Hereditary Cancer Syndrome; Hereditary neoplastic syndrome. Identifiers: Orphanet 140162, MedGen C0027672, MeSH D009386, MONDO:0015356.
Lynch syndrome. Identifiers: Orphanet 144, MedGen C4552100, MONDO:0005835. Disease mechanism: loss of function.

gnomAD v4.1: 1 of 1,614,066 alleles (0.000062%); highest among the groups gnomAD compares: Non-Finnish European, 0.000085%; no homozygotes.

Submissions (3):

Ambry Genetics
Classification: Uncertain significance for Hereditary cancer-predisposing syndrome. Last evaluated: 2024-11-28. Review status: criteria provided, single submitter. Criteria: Ambry Variant Classification Scheme 2023. Collection method: clinical testing. Allele origin: germline.
Comment: The p.E1237D variant (also known as c.3711G>C), located in coding exon 8 of the MSH6 gene, results from a G to C substitution at nucleotide position 3711. The glutamic acid at codon 1237 is replaced by aspartic acid, an amino acid with highly similar properties. This amino acid position is highly conserved in available vertebrate species. In addition, the in silico prediction for this alteration is inconclusive. Since supporting evidence is limited at this time, the clinical significance of this alteration remains unclear.

Labcorp Genetics (formerly Invitae), Labcorp
Classification: Likely benign for Hereditary nonpolyposis colorectal neoplasms. Last evaluated: 2023-12-11. Review status: criteria provided, single submitter. Criteria: Invitae Variant Classification Sherloc (09022015). Collection method: clinical testing. Allele origin: germline.

All of Us Research Program, National Institutes of Health
Classification: Uncertain significance for Lynch syndrome. Last evaluated: 2023-04-27. Review status: criteria provided, single submitter. Criteria: ACMG Guidelines, 2015. Collection method: clinical testing. Allele origin: germline. Inheritance: Autosomal dominant inheritance. Observed: 1 variant allele, 1 heterozygote.
Comment: This study involves interpretation of variants in research participants for the purpose of population health screening. Participant phenotype was not available at the time of variant classification. Additional details can be found in publication PMID: 35346344, PMCID: PMC8962531